The following is an entry in ClinVar:

ClinVar aggregate classification (germline): Uncertain significance (1 of 4 stars; one submission).

Conditions:
Cardiovascular phenotype. Identifiers: MedGen CN230736.

Submission:

Ambry Genetics
Classification: Uncertain significance for Cardiovascular phenotype. Last evaluated: 2024-09-24. Review status: criteria provided, single submitter. Criteria: Ambry Variant Classification Scheme 2023. Collection method: clinical testing. Allele origin: germline.
Comment: The p.L193S variant (also known as c.578T>C), located in coding exon 6 of the AKAP9 gene, results from a T to C substitution at nucleotide position 578. The leucine at codon 193 is replaced by serine, an amino acid with dissimilar properties. This amino acid position is conserved. In addition, the in silico prediction for this alteration is inconclusive. Based on the available evidence, the clinical significance of this variant remains unclear.

NM_005751.5(AKAP9):c.578T>C (p.Leu193Ser)

Gene: AKAP9 (A-kinase anchoring protein 9; plus strand). Cytogenetic location: 7q21.2.
Variant type: single nucleotide variant.
Coding change: c.578T>C on transcript NM_005751.5 (MANE Select); coding-DNA position 578, T replaced by C.
Protein change: p.Leu193Ser; replaces leucine 193 with serine.
Molecular consequence: missense variant.
Genome position (GRCh38, 1-based): chr7:91,994,622, T>C. VCF-style: chr7-91994622-T-C. GRCh37 (hg19) VCF-style: chr7-91623936-T-C.
Other names: c.578T>C, p.Leu193Ser (NM_147185.3); short protein forms L193S.
Identifiers: ClinVar variation 3516627 (VCV003516627.1).